The following is an entry in ClinVar:

ClinVar aggregate classification (germline): Uncertain significance (0 of 4 stars; one submission).

Conditions:
NCOA1-related disorder. Also called: NCOA1-related condition.

gnomAD v4.1: 15 of 1,614,204 alleles (0.00093%); highest among the groups gnomAD compares: Non-Finnish European, 0.0012%; no homozygotes.

Submission:

PreventionGenetics, part of Exact Sciences
Classification: Uncertain significance for NCOA1-related condition. Last evaluated: 2024-09-16. Review status: no assertion criteria provided. Collection method: clinical testing. Allele origin: germline.
Comment: The NCOA1 c.1724T>G variant is predicted to result in the amino acid substitution p.Ile575Arg. To our knowledge, this variant has not been reported in the literature or in a large population database, indicating this variant is rare. At this time, the clinical significance of this variant is uncertain due to the absence of conclusive functional and genetic evidence.

NM_003743.5(NCOA1):c.1724T>G (p.Ile575Arg)

Gene: NCOA1 (nuclear receptor coactivator 1; plus strand). Cytogenetic location: 2p23.3.
Variant type: single nucleotide variant.
Coding change: c.1724T>G on transcript NM_003743.5 (MANE Select); coding-DNA position 1724, T replaced by G.
Protein change: p.Ile575Arg; replaces isoleucine 575 with arginine.
Molecular consequence: missense variant.
Genome position (GRCh38, 1-based): chr2:24,707,194, T>G. VCF-style: chr2-24707194-T-G. GRCh37 (hg19) VCF-style: chr2-24930063-T-G.
Other names: c.1724T>G, p.Ile575Arg (NM_001362950.1, NM_001362952.1, NM_001362954.1 and 3 more transcripts); short protein forms I575R.
Identifiers: ClinVar variation 3358553 (VCV003358553.1).